The following is an entry in ClinVar:

ClinVar aggregate classification (germline): Uncertain significance (1 of 4 stars; one submission).

Submission:

Ambry Genetics
Classification: Uncertain significance. Last evaluated: 2025-11-15. Review status: criteria provided, single submitter. Criteria: Ambry Variant Classification Scheme 2023. Collection method: clinical testing. Allele origin: germline.
Comment: The p.D932E variant (also known as c.2796C>G), located in coding exon 1 of the TET2 gene, results from a C to G substitution at nucleotide position 2796. The aspartic acid at codon 932 is replaced by glutamic acid, an amino acid with highly similar properties. This amino acid position is conserved. In addition, this alteration is predicted to be tolerated by in silico analysis. Based on the available evidence, the clinical significance of this variant remains unclear.

NM_001127208.3(TET2):c.2796C>G (p.Asp932Glu)

Genes: TET2 (tet methylcytosine dioxygenase 2; plus strand), TET2-AS1 (TET2 antisense RNA 1; minus strand). Cytogenetic location: 4q24.
Variant type: single nucleotide variant.
Coding change: c.2796C>G on transcript NM_001127208.3 (MANE Select); coding-DNA position 2796, C replaced by G.
Protein change: p.Asp932Glu; replaces aspartic acid 932 with glutamic acid.
Molecular consequence: missense variant.
Genome position (GRCh38, 1-based): chr4:105,236,738, C>G. VCF-style: chr4-105236738-C-G. GRCh37 (hg19) VCF-style: chr4-106157895-C-G.
Other names: c.2796C>G, p.Asp932Glu (NM_017628.4); short protein forms D932E.
Identifiers: ClinVar variation 4594200 (VCV004594200.1).